The following is an entry in ClinVar:

ClinVar aggregate classification (germline): Uncertain significance. Review status: criteria provided, multiple submitters, no conflicts (2 of 4 stars). 2 submissions from 2 submitters: Uncertain significance (2). Last evaluated 2026-03-26.

Conditions:
ODC1-related disorder. Also called: ODC1-related condition.

Allele frequency attached by ClinVar (database versions not stated): gnomAD exomes below 0.00001.

Submissions (2):

GeneDx
Classification: Uncertain significance. Last evaluated: 2026-03-26. Review status: criteria provided, single submitter. Criteria: GeneDx Variant Classification Process June 2021. Collection method: clinical testing. Allele origin: germline.
Comment: Not observed at significant frequency in large population cohorts (gnomAD); Frameshift variant predicted to result in protein truncation or nonsense mediated decay in a gene for which loss of function is not a known mechanism of disease; Has not been previously published as pathogenic or benign to our knowledge

PreventionGenetics, part of Exact Sciences
Classification: Uncertain significance for ODC1-related condition. Last evaluated: 2025-06-16. Review status: criteria provided, single submitter. Criteria: ACMG Guidelines, 2015. Collection method: clinical testing. Allele origin: germline.
Comment: The ODC1 c.991dupT variant is predicted to result in a frameshift and premature protein termination (p.Tyr331Leufs*2). To our knowledge, this variant has not been reported in the literature or in a large population database, indicating this variant is rare. Of note, loss of function variants have not commonly been reported for the ODC1 gene. Although we suspect that this variant may be pathogenic, at this time, the clinical significance of this variant is uncertain due to the absence of conclusive functional and genetic evidence.

NM_002539.3(ODC1):c.991dup (p.Tyr331fs)

Gene: ODC1 (ornithine decarboxylase 1; minus strand). Cytogenetic location: 2p25.1.
Variant type: Duplication.
Coding change: c.991dup on transcript NM_002539.3 (MANE Select); coding-DNA position 991, one base duplicated (T; older notation c.991dupT).
Protein change: p.Tyr331fs; shifts the reading frame from tyrosine 331.
Molecular consequence: frameshift variant.
Genome position (GRCh38, 1-based): chr2:10,441,852, A duplicated on the plus strand (T on the coding strand, the reverse complement: ODC1 is on the minus strand). VCF-style (leftmost placement, unchanged base first): chr2-10441851-T-TA. GRCh37 (hg19) VCF-style: chr2-10581977-T-TA.
Other names: c.604dup, p.Tyr202fs (NM_001287188.2); c.991dup, p.Tyr331fs (NM_001287189.2, NM_001287190.2); c.991dup (NM_002539.2); short protein forms Y202fs, Y331fs.
Identifiers: ClinVar variation 2631622 (VCV002631622.3), dbSNP rs2528565818, ClinGen allele CA2657843154.